The following is an entry in ClinVar:

NM_004006.3(DMD):c.1158G>A (p.Met386Ile)

Gene: DMD (dystrophin; minus strand). Cytogenetic location: Xp21.1.
Variant type: single nucleotide variant.
Coding change: c.1158G>A on transcript NM_004006.3 (MANE Select); coding-DNA position 1158, G replaced by A.
Protein change: p.Met386Ile; replaces methionine 386 with isoleucine.
Molecular consequence: missense variant.
Genome position (GRCh38, 1-based): chrX:32,644,305, C>T on the plus strand (G>A on the coding strand, the complement: DMD is on the minus strand). VCF-style: chrX-32644305-C-T. GRCh37 (hg19) VCF-style: chrX-32662422-C-T.
Other names: c.1134G>A, p.Met378Ile (NM_000109.4); c.1146G>A, p.Met382Ile (NM_004009.3); c.789G>A, p.Met263Ile (NM_004010.3); short protein forms M378I, M263I, M382I, M386I.
Identifiers: ClinVar variation 2084930 (VCV002084930.4), dbSNP rs2519636832, ClinGen allele CA412661453.
Genomic context (GRCh38, chrX:32,644,305, plus strand): 5'-CAGCTTACTTCCCAATTGTAGAATATTACCAACCCGGCCCTGATGGGCTGTCAAATCCAT[C>T]ATGTACCCCTGACAAAGAAGGAAGTTAACAATTGTAATTAGAACTCTAGGTAAATCGGTG-3'
Protein context (NP_003997.2, residues 376-396): KDQFHTHEGY[Met386Ile]MDLTAHQGRV

ClinVar aggregate classification (germline): Uncertain significance (1 of 4 stars; one submission).

Conditions:
Duchenne muscular dystrophy (DMD). Also called: MUSCULAR DYSTROPHY, PSEUDOHYPERTROPHIC PROGRESSIVE, DUCHENNE TYPE; Duchenne Muscular Dystrophy (DMD). Identifiers: Orphanet 98896, MedGen C0013264, MONDO:0010679, OMIM 310200.

Submission:

Labcorp Genetics (formerly Invitae), Labcorp
Classification: Uncertain significance for Duchenne muscular dystrophy. Last evaluated: 2025-02-10. Review status: criteria provided, single submitter. Criteria: Invitae Variant Classification Sherloc (09022015). Collection method: clinical testing. Allele origin: germline.
Comment: This sequence change replaces methionine, which is neutral and non-polar, with isoleucine, which is neutral and non-polar, at codon 386 of the DMD protein (p.Met386Ile). This variant is not present in population databases (gnomAD no frequency). This variant has not been reported in the literature in individuals affected with DMD-related conditions. ClinVar contains an entry for this variant (Variation ID: 2084930). Invitae Evidence Modeling of protein sequence and biophysical properties (such as structural, functional, and spatial information, amino acid conservation, physicochemical variation, residue mobility, and thermodynamic stability) indicates that this missense variant is not expected to disrupt DMD protein function with a negative predictive value of 95%. In summary, the available evidence is currently insufficient to determine the role of this variant in disease. Therefore, it has been classified as a Variant of Uncertain Significance.